The following is an entry in ClinVar:

NM_002878.4(RAD51D):c.569C>A (p.Ala190Asp)

Genes: RAD51D (RAD51 paralog D; minus strand), RAD51L3-RFFL (RAD51L3-RFFL readthrough; minus strand). Cytogenetic location: 17q12.
Variant type: single nucleotide variant.
Coding change: c.569C>A on transcript NM_002878.4 (MANE Select); coding-DNA position 569, C replaced by A.
Protein change: p.Ala190Asp; replaces alanine 190 with aspartic acid.
Molecular consequence: missense variant. On other transcripts: non-coding transcript variant (3).
Genome position (GRCh38, 1-based): chr17:35,106,393, G>T on the plus strand (C>A on the coding strand, the complement: RAD51D is on the minus strand). VCF-style: chr17-35106393-G-T. GRCh37 (hg19) VCF-style: chr17-33433412-G-T.
Other names: c.629C>A, p.Ala210Asp (NM_001142571.2); c.233C>A, p.Ala78Asp (NM_133629.3); short protein forms A190D, A210D, A78D.
Identifiers: ClinVar variation 2505283 (VCV002505283.2), dbSNP rs1435997941, ClinGen allele CA399088545.

ClinVar aggregate classification (germline): Uncertain significance (1 of 4 stars; one submission).

Conditions:
Breast-ovarian cancer, familial, susceptibility to, 4. Identifiers: Orphanet 145, MedGen C3280345, MONDO:0013669, OMIM 614291.

Submission:

KCCC/NGS Laboratory, Kuwait Cancer Control Center
Classification: Uncertain significance for Breast-ovarian cancer, familial, susceptibility to, 4. Last evaluated: 2023-06-14. Review status: criteria provided, single submitter. Criteria: ACMG Guidelines, 2015. Collection method: clinical testing. Allele origin: unknown. Inheritance: Autosomal dominant inheritance. Affected: yes.
Comment: a variant of uncertain significance was detected in the RAD51D gene (c.569C>A).This sequence change replaces proline with Glutamine , at codon 190 of the RAD51D protein (p.Pro190Gln). This variant is not present in population databases (gnomAD) nor in our local database, This variant has not been reported in the literature in individuals with RAD51D-related conditions. In-silico predictions show conflicting computational verdict based on 10 uncertain predictions from PROVEAN , MVP , M-CAP , FATHMM , DEOGEN2 and BLOSUM , FATHMM-MKL , LRT and CADD vs 3 pathogenic prediction from MutPred , SIFT and PolyPhen . the position is not conserved (PhyloP=3.74) . This variant not reported in ClinVar , same amino acid reported as (p.Pro302Leu) reported as variant of uncertain significance ( ClinVar :539858) . In summary, the available evidence is currently insufficient to determine the role of this variant in disease. Therefore, it has been classified as a Variant of Uncertain Significance.